The following is an entry in ClinVar:

NM_001048174.2(MUTYH):c.544C>A (p.Gln182Lys)

Gene: MUTYH (mutY DNA glycosylase; minus strand). Cytogenetic location: 1p34.1.
Variant type: single nucleotide variant.
Coding change: c.544C>A on transcript NM_001048174.2 (MANE Select); coding-DNA position 544, C replaced by A.
Protein change: p.Gln182Lys; replaces glutamine 182 with lysine.
Molecular consequence: missense variant. On other transcripts: non-coding transcript variant (7).
Genome position (GRCh38, 1-based): chr1:45,332,636, G>T on the plus strand (C>A on the coding strand, the complement: MUTYH is on the minus strand). VCF-style: chr1-45332636-G-T. GRCh37 (hg19) VCF-style: chr1-45798308-G-T.
Other names: c.544C>A, p.Gln182Lys (NM_001048171.2, NM_001048173.2, NM_001293195.2 and 6 more transcripts); c.547C>A, p.Gln183Lys (NM_001048172.2, NM_001407078.1, NM_001407086.1 and 1 more transcripts); c.628C>A, p.Gln210Lys (NM_001128425.2); c.589C>A, p.Gln197Lys (NM_001293190.2); c.577C>A, p.Gln193Lys (NM_001293191.2, NM_001407077.1, NM_001407069.1); c.268C>A, p.Gln90Lys (NM_001293192.2, NM_001293196.2, NM_001407091.1); c.505C>A, p.Gln169Lys (NM_001407079.1); c.502C>A, p.Gln168Lys (NM_001407080.1); and 5 more; short protein forms Q154K, Q168K, Q182K, Q67K, Q90K, Q169K, Q197K, Q207K.
Identifiers: ClinVar variation 4113774 (VCV004113774.1).

ClinVar aggregate classification (germline): Uncertain significance (1 of 4 stars; one submission).

Conditions:
Hereditary cancer-predisposing syndrome. Also called: Hereditary neoplastic syndrome; Neoplastic Syndromes, Hereditary; Tumor predisposition; Hereditary Cancer Syndrome. Identifiers: Orphanet 140162, MedGen C0027672, MeSH D009386, MONDO:0015356.

Submission:

Ambry Genetics
Classification: Uncertain significance for Hereditary cancer-predisposing syndrome. Last evaluated: 2025-08-27. Review status: criteria provided, single submitter. Criteria: Ambry Variant Classification Scheme 2023. Collection method: clinical testing. Allele origin: germline.
Comment: The p.Q210K variant (also known as c.628C>A), located in coding exon 8 of the MUTYH gene, results from a C to A substitution at nucleotide position 628. The glutamine at codon 210 is replaced by lysine, an amino acid with similar properties. This amino acid position is conserved. In addition, this alteration is predicted to be tolerated by in silico analysis. Based on the available evidence, the clinical significance of this variant remains unclear.